The following is an entry in ClinVar:

NM_001034853.2(RPGR):c.2767G>A (p.Glu923Lys)

Gene: RPGR (retinitis pigmentosa GTPase regulator; minus strand). Cytogenetic location: Xp11.4.
Variant type: single nucleotide variant.
Coding change: c.2767G>A on transcript NM_001034853.2 (MANE Select); coding-DNA position 2767, G replaced by A.
Protein change: p.Glu923Lys; replaces glutamic acid 923 with lysine.
Molecular consequence: missense variant. On other transcripts: intron variant (8).
Genome position (GRCh38, 1-based): chrX:38,286,232, C>T on the plus strand (G>A on the coding strand, the complement: RPGR is on the minus strand). VCF-style: chrX-38286232-C-T. GRCh37 (hg19) VCF-style: chrX-38145485-C-T.
Other names: c.1569+4727G>A (NM_001367249.1, NM_001367250.1); c.1902+862G>A (NM_001367245.1); c.1386+4727G>A (NM_001367251.1); c.1719+862G>A (NM_001367246.1); c.1572+4727G>A (NM_001367247.1); c.1905+862G>A (NM_000328.3); c.1602+4727G>A (NM_001367248.1); short protein forms E923K.
Identifiers: ClinVar variation 2865000 (VCV002865000.3), dbSNP rs1203165819, ClinGen allele CA412729830.

ClinVar aggregate classification (germline): Uncertain significance (1 of 4 stars; one submission).

Conditions:
Primary ciliary dyskinesia. Also called: Ciliary dyskinesia. Identifiers: Orphanet 244, MedGen C0008780, MONDO:0016575, HP:0012265.

Submission:

Labcorp Genetics (formerly Invitae), Labcorp
Classification: Uncertain significance for Primary ciliary dyskinesia. Last evaluated: 2022-10-07. Review status: criteria provided, single submitter. Criteria: Invitae Variant Classification Sherloc (09022015). Collection method: clinical testing. Allele origin: germline.
Comment: This sequence change replaces glutamic acid, which is acidic and polar, with lysine, which is basic and polar, at codon 923 of the RPGR (ORF15) protein (p.Glu923Lys). The frequency data for this variant in the population databases is considered unreliable, as metrics indicate poor data quality at this position in the gnomAD database. This variant has not been reported in the literature in individuals affected with RPGR (ORF15)-related conditions. Advanced modeling of protein sequence and biophysical properties (such as structural, functional, and spatial information, amino acid conservation, physicochemical variation, residue mobility, and thermodynamic stability) performed at Invitae indicates that this missense variant is not expected to disrupt RPGR (ORF15) protein function. In summary, the available evidence is currently insufficient to determine the role of this variant in disease. Therefore, it has been classified as a Variant of Uncertain Significance.